The following is an entry in ClinVar:

NM_001080397.3(SLC45A1):c.768G>A (p.Thr256=)

Gene: SLC45A1 (solute carrier family 45 member 1; plus strand). Cytogenetic location: 1p36.23.
Variant type: single nucleotide variant.
Coding change: c.768G>A on transcript NM_001080397.3 (MANE Select); coding-DNA position 768, G replaced by A.
Protein change: p.Thr256=; no amino-acid change (threonine 256 retained).
Molecular consequence: synonymous variant.
Genome position (GRCh38, 1-based): chr1:8,330,261, G>A. VCF-style: chr1-8330261-G-A. GRCh37 (hg19) VCF-style: chr1-8390321-G-A.
Identifiers: ClinVar variation 752713 (VCV000752713.38), dbSNP rs151069350, ClinGen allele CA570209.
Genomic context (GRCh38, chr1:8,330,261, plus strand): 5'-TTCCCCAGGTCTCGGAGGAGGCTTTGGATACGTGGTCGGCGGAATCCACTGGGATAAAAC[G>A]GGCTTCGGGAGGGCCCTGGGGGGACAGCTCCGAGTCATTTACCTCTTCACTGCGGTCACC-3'
Protein context (NP_001073866.3, residues 246-266): YVVGGIHWDK[Thr256=]GFGRALGGQL

ClinVar aggregate classification (germline): Likely benign. Review status: criteria provided, multiple submitters, no conflicts (2 of 4 stars). 2 submissions from 2 submitters: Likely benign (2). Last evaluated 2023-04-01.

Allele frequency attached by ClinVar (database versions not stated): gnomAD exomes 0.00021 and 0.00031; ESP Exome Variant Server 0.00023; ExAC 0.00025; TOPMed 0.00025; gnomAD 0.00029 and 0.00030.
gnomAD v4.1: 496 of 1,613,792 alleles (0.031%); highest among the groups gnomAD compares: Non-Finnish European, 0.038%; 3 homozygotes.

Submissions (2):

CeGaT Center for Human Genetics Tuebingen
Classification: Likely benign. Last evaluated: 2023-04-01. Review status: criteria provided, single submitter. Criteria: CeGaT Center For Human Genetics Tuebingen Variant Classification Criteria Version 2. Collection method: clinical testing. Allele origin: germline. Affected: yes. Observed: 3 variant alleles.
Comment: SLC45A1: BP4, BP7

Labcorp Genetics (formerly Invitae), Labcorp
Classification: Likely benign. Last evaluated: 2019-12-31. Review status: criteria provided, single submitter. Criteria: Invitae Variant Classification Sherloc (09022015). Collection method: clinical testing. Allele origin: germline.